The following is an entry in ClinVar:

NM_004260.4(RECQL4):c.1599G>A (p.Leu533=)

Gene: RECQL4 (RecQ like helicase 4; minus strand). Cytogenetic location: 8q24.3.
Variant type: single nucleotide variant.
Coding change: c.1599G>A on transcript NM_004260.4 (MANE Select); coding-DNA position 1599, G replaced by A.
Protein change: p.Leu533=; no amino-acid change (leucine 533 retained).
Molecular consequence: synonymous variant.
Genome position (GRCh38, 1-based): chr8:144,514,957, C>T on the plus strand (G>A on the coding strand, the complement: RECQL4 is on the minus strand). VCF-style: chr8-144514957-C-T. GRCh37 (hg19) VCF-style: chr8-145740341-C-T.
Other names: c.1599G>A (NM_004260.3).
Identifiers: ClinVar variation 1143419 (VCV001143419.14), dbSNP rs1827932871, ClinGen allele CA463473854.
Genomic context (GRCh38, chr8:144,514,957, plus strand): 5'-CTTGGCTGTGTACGTGTGCCCAGGGCCCTGTGTGCACACCTGGTCATCCATGAGTGACAG[C>T]AGGGGAGAGACGACCAACGTGAGGCAGGGGCTGCGCCGGCTGTAGAGCAGCGCTGGGAGC-3'
Protein context (NP_004251.4, residues 523-543): SPCLTLVVSP[Leu533=]LSLMDDQVSG

ClinVar aggregate classification (germline): Likely benign. Review status: criteria provided, multiple submitters, no conflicts (2 of 4 stars). 3 submissions from 3 submitters: Likely benign (3). Last evaluated 2025-11-01.

Conditions:
Baller-Gerold syndrome (BGS). Also called: CRANIOSYNOSTOSIS WITH RADIAL DEFECTS. Identifiers: Orphanet 1225, MedGen C0265308, MONDO:0009039, OMIM 218600.
Inborn genetic diseases. Identifiers: MedGen C0950123, MeSH D030342.

Allele frequency attached by ClinVar (database versions not stated): gnomAD exomes below 0.00001; TOPMed below 0.00001; gnomAD 0.00001.
gnomAD v4.1: 2 of 1,611,522 alleles (0.00012%); highest among the groups gnomAD compares: African/African-American, 0.0013%; no homozygotes.

Submissions (3):

CeGaT Center for Human Genetics Tuebingen
Classification: Likely benign. Last evaluated: 2025-11-01. Review status: criteria provided, single submitter. Criteria: CeGaT Center For Human Genetics Tuebingen Variant Classification Criteria Version 2. Collection method: clinical testing. Allele origin: germline. Affected: yes. Observed: 1 variant allele.
Comment: RECQL4: BP4, BP7

Ambry Genetics
Classification: Likely benign for Inborn genetic diseases. Last evaluated: 2024-12-20. Review status: criteria provided, single submitter. Criteria: Ambry Variant Classification Scheme 2023. Collection method: clinical testing. Allele origin: germline.

Labcorp Genetics (formerly Invitae), Labcorp
Classification: Likely benign for Baller-Gerold syndrome. Last evaluated: 2024-07-23. Review status: criteria provided, single submitter. Criteria: Invitae Variant Classification Sherloc (09022015). Collection method: clinical testing. Allele origin: germline.